The following is an entry in ClinVar:

ClinVar aggregate classification (germline): Uncertain significance (1 of 4 stars; one submission).

Conditions:
EHMT1-related disorder. Also called: EHMT1-related condition.

Submission:

PreventionGenetics, part of Exact Sciences
Classification: Uncertain significance for EHMT1-related condition. Last evaluated: 2025-12-23. Review status: criteria provided, single submitter. Criteria: ACMG Guidelines, 2015. Collection method: clinical testing. Allele origin: germline.
Comment: The EHMT1 c.2057A>G variant is predicted to result in the amino acid substitution p.Gln686Arg. To our knowledge, this variant has not been reported in the literature or in a large population database (gnomAD), indicating this variant is rare. At this time, the clinical significance of this variant is uncertain due to the absence of conclusive functional and genetic evidence.

NM_024757.5(EHMT1):c.2057A>G (p.Gln686Arg)

Gene: EHMT1 (euchromatic histone lysine methyltransferase 1; plus strand). Cytogenetic location: 9q34.3.
Variant type: single nucleotide variant.
Coding change: c.2057A>G on transcript NM_024757.5 (MANE Select); coding-DNA position 2057, A replaced by G.
Protein change: p.Gln686Arg; replaces glutamine 686 with arginine.
Molecular consequence: missense variant.
Genome position (GRCh38, 1-based): chr9:137,777,920, A>G. VCF-style: chr9-137777920-A-G. GRCh37 (hg19) VCF-style: chr9-140672372-A-G.
Other names: c.2057A>G, p.Gln686Arg (NM_001145527.2); c.1964A>G, p.Gln655Arg (NM_001354259.2); c.2036A>G, p.Gln679Arg (NM_001354263.2); short protein forms Q686R, Q655R, Q679R.
Identifiers: ClinVar variation 4983299 (VCV004983299.1).
Genomic context (GRCh38, chr9:137,777,920, plus strand): 5'-TCCCCGATTTCCTCCCCTGAAGTGCTGCCGGGCCACCACTCTCGGAGGACGACAAGCTGC[A>G]GGGTGCAGCCTCCCACGTGCCCGAGGGCTTTGATCCAACGGGACCTGCTGGGCTTGGGAG-3'
Protein context (NP_079033.4, residues 676-696): GPPLSEDDKL[Gln686Arg]GAASHVPEGF